The following is an entry in ClinVar:

ClinVar aggregate classification (germline): Uncertain significance. Review status: criteria provided, multiple submitters, no conflicts (2 of 4 stars). 2 submissions from 2 submitters: Uncertain significance (2). Last evaluated 2024-02-02.

Conditions:
Renal tubular acidosis with progressive nerve deafness. Also called: Distal Renal Tubular Acidosis with Progressive Sensorineural Deafness; renal tubular acidosis, distal, 2, with progressive sensorineural hearing loss; RENAL TUBULAR ACIDOSIS, AUTOSOMAL RECESSIVE, WITH PROGRESSIVE NERVE DEAFNESS; RTA WITH PROGRESSIVE NERVE DEAFNESS. Identifiers: MedGen C0403554, MONDO:0009968, OMIM 267300.

Submissions (2):

GeneDx
Classification: Uncertain significance. Last evaluated: 2024-02-02. Review status: criteria provided, single submitter. Criteria: GeneDx Variant Classification Process June 2021. Collection method: clinical testing. Allele origin: germline. Affected: yes.
Comment: Initiation codon variant in a gene for which loss of function is a known mechanism of disease, however, in the absence of functional studies, the actual effect of this sequence change is unknown; Not observed at significant frequency in large population cohorts (gnomAD); Has not been previously published as pathogenic or benign to our knowledge

Fulgent Genetics
Classification: Uncertain significance for Renal tubular acidosis with progressive nerve deafness. Last evaluated: 2023-12-20. Review status: criteria provided, single submitter. Criteria: ACMG Guidelines, 2015. Collection method: clinical testing. Allele origin: germline.

NM_001692.4(ATP6V1B1):c.3G>A (p.Met1Ile)

Gene: ATP6V1B1 (ATPase H+ transporting V1 subunit B1; plus strand). Cytogenetic location: 2p13.3.
Variant type: single nucleotide variant.
Coding change: c.3G>A on transcript NM_001692.4 (MANE Select); coding-DNA position 3, G replaced by A.
Protein change: p.Met1Ile; changes the start codon (methionine 1).
Molecular consequence: missense variant, initiator codon variant.
Genome position (GRCh38, 1-based): chr2:70,935,957, G>A. VCF-style: chr2-70935957-G-A. GRCh37 (hg19) VCF-style: chr2-71163087-G-A.
Other names: short protein forms M1I.
Identifiers: ClinVar variation 3340651 (VCV003340651.2).